The following is an entry in ClinVar:

NM_000152.5(GAA):c.2105G>C (p.Arg702Pro)

Gene: GAA (alpha glucosidase; plus strand). Cytogenetic location: 17q25.3.
Variant type: single nucleotide variant.
Coding change: c.2105G>C on transcript NM_000152.5 (MANE Select); coding-DNA position 2105, G replaced by C.
Protein change: p.Arg702Pro; replaces arginine 702 with proline.
Molecular consequence: missense variant.
Genome position (GRCh38, 1-based): chr17:80,113,282, G>C. VCF-style: chr17-80113282-G-C. GRCh37 (hg19) VCF-style: chr17-78087081-G-C.
Other names: NM_000152.5(GAA):c.2105G>C; p.Arg702Pro; c.2105G>C, p.Arg702Pro (NM_001079803.3, NM_001079804.3); short protein forms R702P.
Identifiers: ClinVar variation 593593 (VCV000593593.13), dbSNP rs398123172, ClinGen allele CA401370504.
Genomic context (GRCh38, chr17:80,113,282, plus strand): 5'-AGGAGCCGTACAGCTTCAGCGAGCCGGCCCAGCAGGCCATGAGGAAGGCCCTCACCCTGC[G>C]CTACGCACTCCTCCCCCACCTCTACACACTGTTCCACCAGGCCCACGTCGCGGGGGAGAC-3'
Protein context (NP_000143.2, residues 692-712): QQAMRKALTL[Arg702Pro]YALLPHLYTL

ClinVar aggregate classification (germline): Uncertain significance. Review status: reviewed by expert panel (3 of 4 stars). 6 submissions from 6 submitters: Uncertain significance (1). 5 of the submissions do not count toward it. Last evaluated 2024-03-05.

Conditions:
Glycogen storage disease, type II (IOPD). Also called: POMPE DISEASE, INFANTILE-ONSET; GLYCOGEN STORAGE DISEASE II, INFANTILE-ONSET; ACID ALPHA-GLUCOSIDASE DEFICIENCY, INFANTILE-ONSET; GAA DEFICIENCY, INFANTILE-ONSET; ACID MALTASE DEFICIENCY, INFANTILE-ONSET; CARDIOMEGALIA GLYCOGENICA DIFFUSA. Identifiers: Orphanet 365, MedGen C0017921, MONDO:0009290, OMIM 232300.

Submissions (6):

ClinGen Lysosomal Storage Disorder Variant Curation Expert Panel
Classification: Uncertain significance for Glycogen storage disease, type II. Last evaluated: 2024-03-05. Review status: reviewed by expert panel. Criteria: clingen_lsd_acmg_specifications_v2-1. Collection method: curation. Allele origin: germline. Inheritance: Autosomal recessive inheritance.
Comment: The NM_000152.5:c.12105G>C variant in GAA is a missense variant predicted to cause substitution of arginine by proline at amino acid 702 (p.Arg702Pro). However, no clinical details were provided and thus points can not be applied for PP4. This individual was compound heterozygous for the variant and variant classified as pathogenic by the ClinGen LD VCEP (c.2560C>T, p.Arg854Ter; ClinVar Variation ID: Variation ID: 4034, SCV001371731.1), phase unknown (PMID: 26594346) (PM3_supporting). This variant is absent in gnomAD v2.1.1. (PM2_Supporting). The computational predictor REVEL gives a score of 0.989 which is above the threshold of 0.7, evidence that correlates with impact to GAA function (PP3). Another missense variant [c.2105G>T, p.Arg702Leu] in the same codon has been classified as pathogenic for Pompe disease by the ClinGen Lysosomal Diseases VCEP (ClinVar Variation ID: Variation ID: 92472) (PM5). There is a ClinVar entry for this variant (Variation ID: 593593). Due to insufficient evidence, this variant is classified as a variant of unknown significance for Pompe disease based on the GAA-specific ACMG/AMP criteria applied, as specified by the ClinGen Lysosomal Diseases Variant Curation Expert Panel (Specifications Version 2.0): (PM5, PM3_supporting, PM2_supporting, PP3). (Classification approved by the ClinGen Lysosomal Diseases Variant Curation Expert Panel on March 5, 2024).

Genomenon, Inc
Classification: Uncertain significance for Glycogen storage disease, type II. Last evaluated: 2026-07-01. Review status: criteria provided, single submitter. Criteria: Genomenon Sequence Variant Interpretation Standards - Updated. Collection method: curation. Allele origin: germline. Not counted in ClinVar's aggregate classification.
Comment: GAA p.Arg702Pro (c.2105G>C) is a missense variant that changes the amino acid at codon 702 from Arginine to Proline. This variant has been reported in the compound heterozygous and/or homozygous state in at least one individual without a confirmed diagnosis of Pompe disease (PMID:26594346). The presence of pathogenic/likely pathogenic missense variant(s) at the same amino acid position indicates that this residue is likely important for protein function. It is absent or not present at a significant frequency in gnomAD. In silico models predict that this variant is possibly or probably damaging. In conclusion, we classify GAA p.Arg702Pro (c.2105G>C) as a variant of uncertain significance.

Women's Health and Genetics/Laboratory Corporation of America, LabCorp
Classification: Likely pathogenic for Glycogen storage disease, type II. Last evaluated: 2025-07-25. Review status: criteria provided, single submitter. Criteria: LabCorp Variant Classification Summary - May 2015. Collection method: clinical testing. Allele origin: germline. Not counted in ClinVar's aggregate classification.
Comment: Variant summary: GAA c.2105G>C (p.Arg702Pro) results in a non-conservative amino acid change in the encoded protein sequence. Algorithms developed to predict the effect of missense changes on protein structure and function all suggest that this variant is likely to be disruptive. The variant was absent in 222484 control chromosomes. c.2105G>C has been observed in individual(s) affected with Glycogen Storage Disease, Type 2 (Pompe Disease). Three different variants affecting the same codon have been classified as likely pathogenic/pathogenic by our lab (c.2104C>T (p.Arg702Cys), c.2105G>T (p.Arg702Leu), and c.2105G>A (p.Arg702His)) supporting the critical relevance of codon 702 to GAA protein function. To our knowledge, no experimental evidence demonstrating an impact on protein function has been reported. The following publication have been ascertained in the context of this evaluation (PMID: 26594346). ClinVar contains an entry for this variant (Variation ID: 593593). Based on the evidence outlined above, the variant was classified as likely pathogenic.

Labcorp Genetics (formerly Invitae), Labcorp
Classification: Likely pathogenic for Glycogen storage disease, type II. Last evaluated: 2025-05-08. Review status: criteria provided, single submitter. Criteria: Invitae Variant Classification Sherloc (09022015). Collection method: clinical testing. Allele origin: germline. Not counted in ClinVar's aggregate classification.
Comment: This sequence change replaces arginine, which is basic and polar, with proline, which is neutral and non-polar, at codon 702 of the GAA protein (p.Arg702Pro). This variant is not present in population databases (gnomAD no frequency). This missense change has been observed in individual(s) with glycogen storage disease type II (PMID: 26594346). ClinVar contains an entry for this variant (Variation ID: 593593). Invitae Evidence Modeling of protein sequence and biophysical properties (such as structural, functional, and spatial information, amino acid conservation, physicochemical variation, residue mobility, and thermodynamic stability) indicates that this missense variant is expected to disrupt GAA protein function with a positive predictive value of 95%. This variant disrupts the p.Arg702 amino acid residue in GAA. Other variant(s) that disrupt this residue have been determined to be pathogenic (PMID: 18211760, 26310554, 28394184). This suggests that this residue is clinically significant, and that variants that disrupt this residue are likely to be disease-causing. In summary, the currently available evidence indicates that the variant is pathogenic, but additional data are needed to prove that conclusively. Therefore, this variant has been classified as Likely Pathogenic.

Genome-Nilou Lab
Classification: Likely pathogenic for Glycogen storage disease, type II. Last evaluated: 2021-07-22. Review status: criteria provided, single submitter. Criteria: ACMG Guidelines, 2015. Collection method: clinical testing. Allele origin: germline. Affected: no. Not counted in ClinVar's aggregate classification.

Eurofins Ntd Llc (ga)
Classification: Likely pathogenic. Last evaluated: 2017-08-16. Review status: criteria provided, single submitter. Criteria: EGL Classification Definitions 2015. Collection method: clinical testing. Allele origin: germline. Observed: 1 variant allele, 1 heterozygote. Not counted in ClinVar's aggregate classification.

Literature cited by the submitters: PubMed 26594346 (cited by 3 submitters); PubMed 18211760 (cited by Labcorp Genetics (formerly Invitae), Labcorp); PubMed 26310554 (cited by Labcorp Genetics (formerly Invitae), Labcorp); PubMed 28394184 (cited by Labcorp Genetics (formerly Invitae), Labcorp).